The following is an entry in ClinVar:

NM_006136.3(CAPZA2):c.813G>A (p.Trp271Ter)

Gene: CAPZA2 (capping actin protein of muscle Z-line subunit alpha 2; plus strand). Cytogenetic location: 7q31.2.
Variant type: single nucleotide variant.
Coding change: c.813G>A on transcript NM_006136.3 (MANE Select); coding-DNA position 813, G replaced by A.
Protein change: p.Trp271Ter; replaces tryptophan 271 with a stop codon.
Molecular consequence: nonsense.
Genome position (GRCh38, 1-based): chr7:116,917,819, G>A. VCF-style: chr7-116917819-G-A. GRCh37 (hg19) VCF-style: chr7-116557873-G-A.
Other names: short protein forms W271*.
Identifiers: ClinVar variation 2577676 (VCV002577676.1), dbSNP rs2486008477, ClinGen allele CA369118930.

ClinVar aggregate classification (germline): Uncertain significance (1 of 4 stars; one submission).

Submission:

GeneDx
Classification: Uncertain significance. Last evaluated: 2023-02-27. Review status: criteria provided, single submitter. Criteria: GeneDx Variant Classification Process June 2021. Collection method: clinical testing. Allele origin: germline. Affected: yes.
Comment: Not observed at significant frequency in large population cohorts (gnomAD); Nonsense variant predicted to result in protein truncation as the last 16 amino acids are lost; Has not been previously published as pathogenic or benign to our knowledge